The following is an entry in ClinVar:

NM_001122630.2(CDKN1C):c.482C>T (p.Pro161Leu)

Gene: CDKN1C (cyclin dependent kinase inhibitor 1C; minus strand). Cytogenetic location: 11p15.4.
Variant type: single nucleotide variant.
Coding change: c.482C>T on transcript NM_001122630.2 (MANE Select); coding-DNA position 482, C replaced by T.
Protein change: p.Pro161Leu; replaces proline 161 with leucine.
Molecular consequence: missense variant. On other transcripts: intron variant (1).
Genome position (GRCh38, 1-based): chr11:2,884,975, G>A on the plus strand (C>T on the coding strand, the complement: CDKN1C is on the minus strand). VCF-style: chr11-2884975-G-A. GRCh37 (hg19) VCF-style: chr11-2906205-G-A.
Other names: c.515C>T, p.Pro172Leu (NM_000076.2, NM_001362474.2); c.482C>T, p.Pro161Leu (NM_001122631.2); c.255+227C>T (NM_001362475.2); short protein forms P172L, P161L.
Identifiers: ClinVar variation 1484221 (VCV001484221.8), dbSNP rs2133784256, ClinGen allele CA379146548.

ClinVar aggregate classification (germline): Uncertain significance (1 of 4 stars; one submission).

Conditions:
Beckwith-Wiedemann syndrome (BWS). Also called: Exomphalos macroglossia gigantism syndrome; EMG SYNDROME. Identifiers: Orphanet 116, MedGen C0004903, MONDO:0007534, OMIM 130650.

Submission:

Labcorp Genetics (formerly Invitae), Labcorp
Classification: Uncertain significance for Beckwith-Wiedemann syndrome. Last evaluated: 2021-08-09. Review status: criteria provided, single submitter. Criteria: Invitae Variant Classification Sherloc (09022015). Collection method: clinical testing. Allele origin: germline.
Comment: In summary, the available evidence is currently insufficient to determine the role of this variant in disease. Therefore, it has been classified as a Variant of Uncertain Significance. Algorithms developed to predict the effect of missense changes on protein structure and function are either unavailable or do not agree on the potential impact of this missense change (SIFT: "Deleterious"; PolyPhen-2: "Not Available"; Align-GVGD: "Class C0"). This variant has not been reported in the literature in individuals with CDKN1C-related conditions. The frequency data for this variant in the population databases is considered unreliable, as metrics indicate insufficient coverage at this position in the ExAC database. This sequence change replaces proline with leucine at codon 172 of the CDKN1C protein (p.Pro172Leu). The proline residue is weakly conserved and there is a moderate physicochemical difference between proline and leucine.